The following is an entry in ClinVar:

NM_024675.4(PALB2):c.1907A>G (p.Glu636Gly)

Gene: PALB2 (partner and localizer of BRCA2; minus strand). Cytogenetic location: 16p12.2.
Variant type: single nucleotide variant.
Coding change: c.1907A>G on transcript NM_024675.4 (MANE Select); coding-DNA position 1907, A replaced by G.
Protein change: p.Glu636Gly; replaces glutamic acid 636 with glycine.
Molecular consequence: missense variant.
Genome position (GRCh38, 1-based): chr16:23,630,247, T>C on the plus strand (A>G on the coding strand, the complement: PALB2 is on the minus strand). VCF-style: chr16-23630247-T-C. GRCh37 (hg19) VCF-style: chr16-23641568-T-C.
Other names: short protein forms E636G.
Identifiers: ClinVar variation 830150 (VCV000830150.6), dbSNP rs1966863975, ClinGen allele CA395127557.

ClinVar aggregate classification (germline): Conflicting classifications of pathogenicity. Review status: criteria provided, conflicting classifications (1 of 4 stars). 3 submissions from 3 submitters: Uncertain significance (1); Likely benign (1). 1 of the submissions does not count toward it. Last evaluated 2026-01-26.

Conditions:
Hereditary cancer-predisposing syndrome. Also called: Hereditary neoplastic syndrome; Neoplastic Syndromes, Hereditary; Tumor predisposition; Hereditary Cancer Syndrome. Identifiers: Orphanet 140162, MedGen C0027672, MeSH D009386, MONDO:0015356.
Familial cancer of breast. Also called: BREAST CANCER, FAMILIAL; Hereditary breast cancer; hereditary breast carcinoma. Identifiers: Orphanet 227535, MedGen C0346153, MONDO:0016419, OMIM 114480. Disease mechanism: loss of function.

Submissions (3):

Labcorp Genetics (formerly Invitae), Labcorp
Classification: Uncertain significance for Familial cancer of breast. Last evaluated: 2026-01-26. Review status: criteria provided, single submitter. Criteria: Invitae Variant Classification Sherloc (09022015). Collection method: clinical testing. Allele origin: germline.
Comment: This sequence change replaces glutamic acid, which is acidic and polar, with glycine, which is neutral and non-polar, at codon 636 of the PALB2 protein (p.Glu636Gly). This variant is not present in population databases (gnomAD no frequency). This variant has not been reported in the literature in individuals affected with PALB2-related conditions. ClinVar contains an entry for this variant (Variation ID: 830150). Invitae Evidence Modeling of protein sequence and biophysical properties (such as structural, functional, and spatial information, amino acid conservation, physicochemical variation, residue mobility, and thermodynamic stability) indicates that this missense variant is not expected to disrupt PALB2 protein function with a negative predictive value of 80%. In summary, the available evidence is currently insufficient to determine the role of this variant in disease. Therefore, it has been classified as a Variant of Uncertain Significance.

Ambry Genetics
Classification: Likely benign for Hereditary cancer-predisposing syndrome. Last evaluated: 2024-07-25. Review status: criteria provided, single submitter. Criteria: Ambry Variant Classification Scheme 2023. Collection method: clinical testing. Allele origin: germline.

Leiden Open Variation Database
Classification: Uncertain significance. Last evaluated: 2018-10-10. Review status: no assertion criteria provided. Collection method: curation. Allele origin: germline. Affected: yes. Not counted in ClinVar's aggregate classification.
Comment: Curators: Marc Tischkowitz, Arleen D. Auerbach. Submitter to LOVD: Yukihide Momozawa.

Literature cited by the submitters: PubMed 30287823 (cited by Ambry Genetics and Leiden Open Variation Database).